The following is an entry in ClinVar:

ClinVar aggregate classification (germline): Pathogenic (1 of 4 stars; one submission).

Conditions:
Nephronophthisis. Also called: Juvenile Nephronophthisis. Identifiers: Orphanet 655, MedGen C0687120, MONDO:0019005, HP:0000090.

Submission:

Labcorp Genetics (formerly Invitae), Labcorp
Classification: Pathogenic for Nephronophthisis. Last evaluated: 2019-07-29. Review status: criteria provided, single submitter. Criteria: Invitae Variant Classification Sherloc (09022015). Collection method: clinical testing. Allele origin: germline.
Comment: For these reasons, this variant has been classified as Pathogenic. This variant disrupts the C-terminus of the IQCB1 protein. Other variant(s) that disrupt this region (p.His506Glnfs*13) have been determined to be pathogenic (PMID: 20881296, 15723066). This suggests that variants that disrupt this region of the protein are likely to be causative of disease. This variant has not been reported in the literature in individuals with IQCB1-related conditions. This variant is a sub-genic deletion of the genomic region encompassing exons 13 to 14 of the IQCB1 gene. While this deletion is not anticipated to result in nonsense mediated decay, it is expected to create a truncated protein product.

Literature cited by the submitters: PubMed 20881296; PubMed 15723066.

NC_000003.12:g.(?_121772557)_(121781874_?)del

Gene: IQCB1 (IQ motif containing B1; minus strand). Cytogenetic location: 3q13.33.
Variant type: Deletion.
Identifiers: ClinVar variation 830596 (VCV000830596.7).